The following is an entry in ClinVar:

ClinVar aggregate classification (germline): Pathogenic (1 of 4 stars; one submission).

gnomAD v4.1: 1 of 1,609,336 alleles (0.000062%); highest among the groups gnomAD compares: Admixed American, 0.0017%; no homozygotes.

Submission:

Labcorp Genetics (formerly Invitae), Labcorp
Classification: Pathogenic. Last evaluated: 2024-01-26. Review status: criteria provided, single submitter. Criteria: Invitae Variant Classification Sherloc (09022015). Collection method: clinical testing. Allele origin: germline.
Comment: This sequence change creates a premature translational stop signal (p.Tyr6110*) in the ADGRV1 gene. It is expected to result in an absent or disrupted protein product. Loss-of-function variants in ADGRV1 are known to be pathogenic (PMID: 19357117, 22135276, 22147658, 26226137, 30718709, 31047384, 32467589). This variant is present in population databases (no rsID available, gnomAD 0.003%). This variant has not been reported in the literature in individuals affected with ADGRV1-related conditions. ClinVar contains an entry for this variant (Variation ID: 1927528). For these reasons, this variant has been classified as Pathogenic.

Literature cited by the submitters: PubMed 19357117; PubMed 22135276; PubMed 22147658; PubMed 26226137; PubMed 30718709; PubMed 31047384; PubMed 32467589.

NM_032119.4(ADGRV1):c.18330T>A (p.Tyr6110Ter)

Gene: ADGRV1 (adhesion G protein-coupled receptor V1; plus strand). Cytogenetic location: 5q14.3.
Variant type: single nucleotide variant.
Coding change: c.18330T>A on transcript NM_032119.4 (MANE Select); coding-DNA position 18330, T replaced by A.
Protein change: p.Tyr6110Ter; replaces tyrosine 6110 with a stop codon.
Molecular consequence: nonsense. On other transcripts: non-coding transcript variant (1).
Genome position (GRCh38, 1-based): chr5:91,102,238, T>A. VCF-style: chr5-91102238-T-A. GRCh37 (hg19) VCF-style: chr5-90398055-T-A.
Other names: short protein forms Y6110*.
Identifiers: ClinVar variation 1927528 (VCV001927528.5), dbSNP rs1385277579, ClinGen allele CA360431273.
Genomic context (GRCh38, chr5:91,102,238, plus strand): 5'-AGTATTCTGAAGCTCAAAAATTCTTTTTTTTTTATTTCTAGAAATTCCACTGATTTTATA[T>A]CTCTTTGCTCTGATTTCCGTGACATGGCTTTGGGGAGGACTACACATGGCCTACAGACAC-3'